The following is an entry in ClinVar:

ClinVar aggregate classification (germline): Likely benign. Review status: criteria provided, multiple submitters, no conflicts (2 of 4 stars). 3 submissions from 3 submitters: Likely benign (3). Last evaluated 2026-03-01.

Conditions:
Inborn genetic diseases. Identifiers: MedGen C0950123, MeSH D030342.

Allele frequency attached by ClinVar (database versions not stated): gnomAD 0.00001; TOPMed 0.00002.
gnomAD v4.1: 12 of 1,614,104 alleles (0.00074%); highest among the groups gnomAD compares: Admixed American, 0.018%; no homozygotes.

Submissions (3):

CeGaT Center for Human Genetics Tuebingen
Classification: Likely benign. Last evaluated: 2026-03-01. Review status: criteria provided, single submitter. Criteria: CeGaT Center For Human Genetics Tuebingen Variant Classification Criteria Version 2. Collection method: clinical testing. Allele origin: germline. Affected: yes. Observed: 1 variant allele.
Comment: NSD1: BP4, BP7

Labcorp Genetics (formerly Invitae), Labcorp
Classification: Likely benign. Last evaluated: 2025-06-23. Review status: criteria provided, single submitter. Criteria: Invitae Variant Classification Sherloc (09022015). Collection method: clinical testing. Allele origin: germline.

Ambry Genetics
Classification: Likely benign for Inborn genetic diseases. Last evaluated: 2019-08-06. Review status: criteria provided, single submitter. Criteria: Ambry Variant Classification Scheme 2023. Collection method: clinical testing. Allele origin: germline.

NM_022455.5(NSD1):c.2331A>C (p.Leu777=)

Gene: NSD1 (nuclear receptor binding SET domain protein 1; plus strand). Cytogenetic location: 5q35.3.
Variant type: single nucleotide variant.
Coding change: c.2331A>C on transcript NM_022455.5 (MANE Select); coding-DNA position 2331, A replaced by C.
Protein change: p.Leu777=; no amino-acid change (leucine 777 retained).
Molecular consequence: synonymous variant.
Genome position (GRCh38, 1-based): chr5:177,210,730, A>C. VCF-style: chr5-177210730-A-C. GRCh37 (hg19) VCF-style: chr5-176637731-A-C.
Other names: c.1458A>C, p.Leu486= (NM_001365684.2, NM_001409306.1, NM_001409307.1 and 3 more transcripts); c.2331A>C, p.Leu777= (NM_001409301.1, NM_001409302.1, NM_001409303.1); c.1911A>C, p.Leu637= (NM_001409304.1); c.1578A>C, p.Leu526= (NM_001409305.1).
Identifiers: ClinVar variation 414477 (VCV000414477.16), dbSNP rs772447375, ClinGen allele CA3577242.